The following is an entry in ClinVar:

ClinVar aggregate classification (germline): Uncertain significance (1 of 4 stars; one submission).

Allele frequency attached by ClinVar (database versions not stated): gnomAD exomes 0.00001 and 0.00002; gnomAD 0.00003; TOPMed 0.00003.
gnomAD v4.1: 12 of 1,613,754 alleles (0.00074%); highest among the groups gnomAD compares: African/African-American, 0.011%; no homozygotes.

Submission:

Labcorp Genetics (formerly Invitae), Labcorp
Classification: Uncertain significance. Last evaluated: 2025-02-10. Review status: criteria provided, single submitter. Criteria: Invitae Variant Classification Sherloc (09022015). Collection method: clinical testing. Allele origin: germline.
Comment: This sequence change falls in intron 3 of the RGR gene. It does not directly change the encoded amino acid sequence of the RGR protein. It affects a nucleotide within the consensus splice site. This variant is present in population databases (no rsID available, gnomAD 0.01%). This variant has not been reported in the literature in individuals affected with RGR-related conditions. ClinVar contains an entry for this variant (Variation ID: 1515518). Variants that disrupt the consensus splice site are a relatively common cause of aberrant splicing (PMID: 17576681, 9536098). Algorithms developed to predict the effect of sequence changes on RNA splicing suggest that this variant is not likely to affect RNA splicing. In summary, the available evidence is currently insufficient to determine the role of this variant in disease. Therefore, it has been classified as a Variant of Uncertain Significance.

Literature cited by the submitters: PubMed 17576681; PubMed 9536098.

NM_001012720.2(RGR):c.358+4T>C

Gene: RGR (retinal G protein coupled receptor; plus strand). Cytogenetic location: 10q23.1.
Variant type: single nucleotide variant.
Coding change: c.358+4T>C on transcript NM_001012720.2 (MANE Select); 4 bases into the intron after coding-DNA position 358, T replaced by C.
Molecular consequence: intron variant.
Genome position (GRCh38, 1-based): chr10:84,249,047, T>C. VCF-style: chr10-84249047-T-C. GRCh37 (hg19) VCF-style: chr10-86008803-T-C.
Other names: c.370+4T>C (NM_002921.4); c.358+4T>C (NM_001012722.2).
Identifiers: ClinVar variation 1515518 (VCV001515518.6), dbSNP rs1356322249, ClinGen allele CA594739864.